The following is an entry in ClinVar:

NM_001079802.2(FKTN):c.1134G>A (p.Trp378Ter)

Gene: FKTN (fukutin; plus strand). Cytogenetic location: 9q31.2.
Variant type: single nucleotide variant.
Coding change: c.1134G>A on transcript NM_001079802.2 (MANE Select); coding-DNA position 1134, G replaced by A.
Protein change: p.Trp378Ter; replaces tryptophan 378 with a stop codon.
Molecular consequence: nonsense. On other transcripts: non-coding transcript variant (2).
Genome position (GRCh38, 1-based): chr9:105,620,023, G>A. VCF-style: chr9-105620023-G-A. GRCh37 (hg19) VCF-style: chr9-108382304-G-A.
Other names: c.1134G>A, p.Trp378Ter (NM_001198963.2, NM_001351496.2, NM_001351498.2 and 1 more transcripts); c.1065G>A, p.Trp355Ter (NM_001351497.2); c.738G>A, p.Trp246Ter (NM_001351499.2, NM_001351500.2, NM_001351501.2 and 1 more transcripts); short protein forms W355*, W378*, W246*.
Identifiers: ClinVar variation 3706658 (VCV003706658.2).

ClinVar aggregate classification (germline): Pathogenic (1 of 4 stars; one submission).

Conditions:
Walker-Warburg congenital muscular dystrophy. Also called: Muscular dystrophy-dystroglycanopathy, type A; Walker-Warburg syndrome. Identifiers: Orphanet 899, MedGen C0265221, MONDO:0000171.

Submission:

Labcorp Genetics (formerly Invitae), Labcorp
Classification: Pathogenic for Walker-Warburg congenital muscular dystrophy. Last evaluated: 2025-08-30. Review status: criteria provided, single submitter. Criteria: Invitae Variant Classification Sherloc (09022015). Collection method: clinical testing. Allele origin: germline.
Comment: This sequence change creates a premature translational stop signal (p.Trp378*) in the FKTN gene. While this is not anticipated to result in nonsense mediated decay, it is expected to disrupt the last 84 amino acid(s) of the FKTN protein. This variant is not present in population databases (gnomAD no frequency). This variant has not been reported in the literature in individuals affected with FKTN-related conditions. ClinVar contains an entry for this variant (Variation ID: 3706658). Algorithms developed to predict the effect of sequence changes on RNA splicing suggest that this variant may disrupt the consensus splice site. This variant disrupts a region of the FKTN protein in which other variant(s) (p.Lys425*) have been determined to be pathogenic (internal data). This suggests that this is a clinically significant region of the protein, and that variants that disrupt it are likely to be disease-causing. For these reasons, this variant has been classified as Pathogenic.